The following is an entry in ClinVar:

ClinVar aggregate classification (germline): Pathogenic/Likely pathogenic. Review status: criteria provided, multiple submitters, no conflicts (2 of 4 stars). 5 submissions from 5 submitters: Pathogenic (1); Likely pathogenic (3). 1 of the submissions does not count toward it. Last evaluated 2024-12-19.

Conditions:
Inborn genetic diseases. Identifiers: MedGen C0950123, MeSH D030342.
Intellectual disability-epilepsy-extrapyramidal syndrome (NEDHELS). Also called: Dyskinesia, seizures, and intellectual developmental disorder. Identifiers: Orphanet 468620, MedGen C4310683, MONDO:0014952, OMIM 617171.

Allele frequency attached by ClinVar (database versions not stated): gnomAD exomes below 0.00001; ExAC 0.00001.

Submissions (5):

GeneDx
Classification: Likely pathogenic. Last evaluated: 2024-12-19. Review status: criteria provided, single submitter. Criteria: GeneDx Variant Classification Process June 2021. Collection method: clinical testing. Allele origin: germline. Affected: yes.
Comment: In silico analysis supports that this missense variant has a deleterious effect on protein structure/function; This variant is associated with the following publications: (PMID: 26795593, 24668509, 28940898, 28213671, 31216405, 26834045, 31929336, 30923367, 31688097, 29366832, 35981081)

Labcorp Genetics (formerly Invitae), Labcorp
Classification: Pathogenic. Last evaluated: 2024-07-15. Review status: criteria provided, single submitter. Criteria: Invitae Variant Classification Sherloc (09022015). Collection method: clinical testing. Allele origin: germline.
Comment: This sequence change replaces arginine, which is basic and polar, with tryptophan, which is neutral and slightly polar, at codon 226 of the DEAF1 protein (p.Arg226Trp). This variant is present in population databases (rs587777623, gnomAD 0.0009%). This missense change has been observed in individuals with autosomal recessive DEAF1-related conditions (PMID: 24668509, 26834045). It has also been observed to segregate with disease in related individuals. ClinVar contains an entry for this variant (Variation ID: 143989). Advanced modeling of protein sequence and biophysical properties (such as structural, functional, and spatial information, amino acid conservation, physicochemical variation, residue mobility, and thermodynamic stability) performed at Invitae indicates that this missense variant is expected to disrupt DEAF1 protein function with a positive predictive value of 95%. Experimental studies have shown that this missense change does not substantially affect DEAF1 function (PMID: 28940898). For these reasons, this variant has been classified as Pathogenic.

Baylor Genetics
Classification: Likely pathogenic for Intellectual disability-epilepsy-extrapyramidal syndrome. Last evaluated: 2017-05-04. Review status: criteria provided, single submitter. Criteria: ACMG Guidelines, 2015. Collection method: clinical testing. Allele origin: inherited. Inheritance: Autosomal recessive inheritance. Affected: yes. Observed: 1 variant allele, 1 homozygote.

Ambry Genetics
Classification: Likely pathogenic for Inborn genetic diseases. Last evaluated: 2014-12-12. Review status: criteria provided, single submitter. Criteria: Ambry exome assertion method (8-5-2015). Collection method: clinical testing. Allele origin: germline. Affected: yes. Observed: 1 variant allele.

OMIM
Classification: Pathogenic for NEURODEVELOPMENTAL DISORDER WITH HYPOTONIA AND IMPAIRED EXPRESSIVE LANGUAGE AND WITH OR WITHOUT SEIZURES. Last evaluated: 2014-06-01. Review status: no assertion criteria provided. Collection method: literature only. Allele origin: germline. Not counted in ClinVar's aggregate classification.

Literature cited by the submitters: PubMed 24668509 (cited by 3 submitters); PubMed 26834045 (cited by 3 submitters); PubMed 28940898 (cited by 3 submitters); PubMed 26795593 (cited by Baylor Genetics).

NM_021008.4(DEAF1):c.676C>T (p.Arg226Trp)

Gene: DEAF1 (DEAF1 transcription factor; minus strand). Cytogenetic location: 11p15.5.
Variant type: single nucleotide variant.
Coding change: c.676C>T on transcript NM_021008.4 (MANE Select); coding-DNA position 676, C replaced by T.
Protein change: p.Arg226Trp; replaces arginine 226 with tryptophan.
Molecular consequence: missense variant. On other transcripts: 5 prime UTR variant (4), intron variant (1).
Genome position (GRCh38, 1-based): chr11:686,986, G>A on the plus strand (C>T on the coding strand, the complement: DEAF1 is on the minus strand). VCF-style: chr11-686986-G-A. GRCh37 (hg19) VCF-style: chr11-686986-G-A.
Other names: c.-51C>T (NM_001367390.1, NM_001440885.1, NM_001440886.1 and 1 more transcripts); c.676C>T, p.Arg226Trp (NM_001440883.1, NM_001440884.1); c.664+925C>T (NM_001293634.2); short protein forms R226W.
Identifiers: ClinVar variation 143989 (VCV000143989.10), dbSNP rs587777623, ClinGen allele CA233038.